The following is an entry in ClinVar:

ClinVar aggregate classification (germline): Likely benign (1 of 4 stars; one submission).

Allele frequency attached by ClinVar (database versions not stated): 1000 Genomes Project 30x 0.00016; 1000 Genomes Project 0.00020; ExAC 0.00082; TOPMed 0.00091; gnomAD 0.00093; ESP Exome Variant Server 0.00185; gnomAD exomes 0.00093.

Submission:

CeGaT Center for Human Genetics Tuebingen
Classification: Likely benign. Last evaluated: 2023-01-01. Review status: criteria provided, single submitter. Criteria: CeGaT Center For Human Genetics Tuebingen Variant Classification Criteria Version 2. Collection method: clinical testing. Allele origin: germline. Affected: yes. Observed: 1 variant allele.
Comment: ARAP2: BP4, BP7

NM_015230.4(ARAP2):c.1392C>T (p.Ala464=)

Gene: ARAP2 (ArfGAP with RhoGAP domain, ankyrin repeat and PH domain 2; minus strand). Cytogenetic location: 4p14.
Variant type: single nucleotide variant.
Coding change: c.1392C>T on transcript NM_015230.4 (MANE Select); coding-DNA position 1392, C replaced by T.
Protein change: p.Ala464=; no amino-acid change (alanine 464 retained).
Molecular consequence: synonymous variant. On other transcripts: non-coding transcript variant (2).
Genome position (GRCh38, 1-based): chr4:36,210,485, G>A on the plus strand (C>T on the coding strand, the complement: ARAP2 is on the minus strand). VCF-style: chr4-36210485-G-A. GRCh37 (hg19) VCF-style: chr4-36212107-G-A.
Identifiers: ClinVar variation 2654707 (VCV002654707.24), dbSNP rs112385259, ClinGen allele CA2885182.
Genomic context (GRCh38, chr4:36,210,485, plus strand): 5'-AACCTTCTTTGCAGATGCTCCATAAAAGCAGGCATAGGGAGATATTGCCTGTGAAGAAAC[G>A]GCTGATGAATCAGCATTTCCACTTGTTGAGCTTAACGGATAACTGTGCCTATTAACGGAG-3'
Protein context (NP_056045.2, residues 454-474): SSTSGNADSS[Ala464=]VSSQAISPYA